The following is an entry in ClinVar:

ClinVar aggregate classification (germline): Uncertain significance (1 of 4 stars; one submission).

Conditions:
Dystonic disorder. Also called: Dystonia. Identifiers: MedGen C0013421, MONDO:0003441, HP:0001332.

Submission:

Labcorp Genetics (formerly Invitae), Labcorp
Classification: Uncertain significance for Dystonic disorder. Last evaluated: 2023-06-24. Review status: criteria provided, single submitter. Criteria: Invitae Variant Classification Sherloc (09022015). Collection method: clinical testing. Allele origin: germline.
Comment: In summary, the available evidence is currently insufficient to determine the role of this variant in disease. Therefore, it has been classified as a Variant of Uncertain Significance. Advanced modeling of protein sequence and biophysical properties (such as structural, functional, and spatial information, amino acid conservation, physicochemical variation, residue mobility, and thermodynamic stability) performed at Invitae indicates that this missense variant is expected to disrupt ANO3 protein function. This variant has not been reported in the literature in individuals affected with ANO3-related conditions. This variant is not present in population databases (gnomAD no frequency). This sequence change replaces tryptophan, which is neutral and slightly polar, with arginine, which is basic and polar, at codon 372 of the ANO3 protein (p.Trp372Arg).

NM_031418.4(ANO3):c.1114T>C (p.Trp372Arg)

Gene: ANO3 (anoctamin 3; plus strand). Cytogenetic location: 11p14.2.
Variant type: single nucleotide variant.
Coding change: c.1114T>C on transcript NM_031418.4 (MANE Select); coding-DNA position 1114, T replaced by C.
Protein change: p.Trp372Arg; replaces tryptophan 372 with arginine.
Molecular consequence: missense variant.
Genome position (GRCh38, 1-based): chr11:26,542,028, T>C. VCF-style: chr11-26542028-T-C. GRCh37 (hg19) VCF-style: chr11-26563575-T-C.
Other names: c.1297T>C, p.Trp433Arg (NM_001313726.2); c.676T>C, p.Trp226Arg (NM_001313727.2); short protein forms W226R, W372R, W433R.
Identifiers: ClinVar variation 2884715 (VCV002884715.3), dbSNP rs2495060125, ClinGen allele CA379931962.
Genomic context (GRCh38, chr11:26,542,028, plus strand): 5'-CCCATTAAAACCCATGGACCTCAGAATAACAGACATCTATTATATGAGCGCTGGGCACGC[T>C]GGGGAATGTGGTATAAGCATCAGCCTCTGGATTTAATCAGGTACTGCAAATGGAACAATA-3'
Protein context (NP_113606.2, residues 362-382): RHLLYERWAR[Trp372Arg]GMWYKHQPLD